The following is an entry in ClinVar:

ClinVar aggregate classification (germline): Benign/Likely benign. Review status: criteria provided, multiple submitters, no conflicts (2 of 4 stars). 3 submissions from 3 submitters: Benign (1); Likely benign (2). Last evaluated 2024-07-09.

Conditions:
Hereditary cancer-predisposing syndrome. Also called: Tumor predisposition; Neoplastic Syndromes, Hereditary; Hereditary Cancer Syndrome; Hereditary neoplastic syndrome. Identifiers: Orphanet 140162, MedGen C0027672, MeSH D009386, MONDO:0015356.
Oligodontia-cancer predisposition syndrome. Also called: TOOTH AGENESIS-COLORECTAL CANCER SYNDROME. Identifiers: Orphanet 300576, MedGen C1837750, MONDO:0012075, OMIM 608615. Disease mechanism: loss of function.

Submissions (3):

Myriad Genetics, Inc.
Classification: Benign for Oligodontia-cancer predisposition syndrome. Last evaluated: 2024-07-09. Review status: criteria provided, single submitter. Criteria: Myriad Autosomal Dominant, Autosomal Recessive and X-Linked Classification Criteria (2023). Collection method: clinical testing. Allele origin: unknown.
Comment: This variant is considered benign. This variant is a silent/synonymous amino acid change and it is not expected to impact splicing.

Labcorp Genetics (formerly Invitae), Labcorp
Classification: Likely benign for Oligodontia-cancer predisposition syndrome. Last evaluated: 2024-04-29. Review status: criteria provided, single submitter. Criteria: Invitae Variant Classification Sherloc (09022015). Collection method: clinical testing. Allele origin: germline.

Ambry Genetics
Classification: Likely benign for Hereditary cancer-predisposing syndrome. Last evaluated: 2021-03-30. Review status: criteria provided, single submitter. Criteria: Ambry Variant Classification Scheme 2023. Collection method: clinical testing. Allele origin: germline.

NM_004655.4(AXIN2):c.1944T>C (p.Ser648=)

Gene: AXIN2 (axin 2; minus strand). Cytogenetic location: 17q24.1.
Variant type: single nucleotide variant.
Coding change: c.1944T>C on transcript NM_004655.4 (MANE Select); coding-DNA position 1944, T replaced by C.
Protein change: p.Ser648=; no amino-acid change (serine 648 retained).
Molecular consequence: synonymous variant.
Genome position (GRCh38, 1-based): chr17:65,536,517, A>G on the plus strand (T>C on the coding strand, the complement: AXIN2 is on the minus strand). VCF-style: chr17-65536517-A-G. GRCh37 (hg19) VCF-style: chr17-63532635-A-G.
Other names: c.1749T>C, p.Ser583= (NM_001363813.1).
Identifiers: ClinVar variation 760505 (VCV000760505.14), dbSNP rs1598097101, ClinGen allele CA501691005.
Genomic context (GRCh38, chr17:65,536,517, plus strand): 5'-CCCGCTGTTGCCCCCCCACAGATGGTGCCGGCTGGCTCGTTCGCCTGGAGACGAGCGGGC[A>G]GACTCCAAGGGGTAGGCCTTTTTTGTGCTTTGGGCACTAAACAAGGAATGAGCAGAGAGA-3'
Protein context (NP_004646.3, residues 638-658): QSTKKAYPLE[Ser648=]ARSSPGERAS